The following is an entry in ClinVar:

ClinVar aggregate classification (germline): Pathogenic/Likely pathogenic. Review status: criteria provided, multiple submitters, no conflicts (2 of 4 stars). 3 submissions from 3 submitters: Pathogenic (2); Likely pathogenic (1). Last evaluated 2024-02-14.

Conditions:
Osteogenesis imperfecta type 8 (OI8). Identifiers: MedGen C1970458, MONDO:0012581, OMIM 610915.

Allele frequency attached by ClinVar (database versions not stated): gnomAD 0.00001; TOPMed 0.00002.
gnomAD v4.1: 4 of 1,611,090 alleles (0.00025%); highest among the groups gnomAD compares: African/African-American, 0.0013%; no homozygotes.

Submissions (3):

Fulgent Genetics
Classification: Likely pathogenic for Osteogenesis imperfecta type 8. Last evaluated: 2024-02-14. Review status: criteria provided, single submitter. Criteria: ACMG Guidelines, 2015. Collection method: clinical testing. Allele origin: germline.

Labcorp Genetics (formerly Invitae), Labcorp
Classification: Pathogenic for Osteogenesis imperfecta type 8. Last evaluated: 2023-11-13. Review status: criteria provided, single submitter. Criteria: Invitae Variant Classification Sherloc (09022015). Collection method: clinical testing. Allele origin: germline.
Comment: This sequence change creates a premature translational stop signal (p.Ser131*) in the P3H1 gene. It is expected to result in an absent or disrupted protein product. Loss-of-function variants in P3H1 are known to be pathogenic (PMID: 17277775, 18566967, 19088120, 22281939). The frequency data for this variant in the population databases is considered unreliable, as metrics indicate poor data quality at this position in the gnomAD database. This premature translational stop signal has been observed in individual(s) with osteogenesis imperfecta (PMID: 18566967). ClinVar contains an entry for this variant (Variation ID: 265432). For these reasons, this variant has been classified as Pathogenic.

GeneDx
Classification: Pathogenic. Last evaluated: 2016-08-26. Review status: criteria provided, single submitter. Criteria: GeneDx Variant Classification (06012015). Collection method: clinical testing. Allele origin: germline. Affected: yes.
Comment: The S131X nonsense variant in the LEPRE1 gene has been reported previously in association with osteogenesis imperfecta (Baldridge et al., 2008). This pathogenic variant is predicted to cause loss of normal protein function either through protein truncation or nonsense-mediated mRNA decay. The S131X variant was not observed in approximately 6300 individuals of European and African American ancestry in the NHLBI Exome Sequencing Project, indicating it is not a common benign variant in these populations. Other nonsense variants in nearby residues (Arg210Term, Arg214Term) have been reported in the Human Gene Mutation Database in association with osteogenesis imperfecta (Stenson et al., 2014), supporting the functional importance of this region of the protein.

Literature cited by the submitters: PubMed 17277775 (cited by Labcorp Genetics (formerly Invitae), Labcorp); PubMed 18566967 (cited by Labcorp Genetics (formerly Invitae), Labcorp); PubMed 19088120 (cited by Labcorp Genetics (formerly Invitae), Labcorp); PubMed 22281939 (cited by Labcorp Genetics (formerly Invitae), Labcorp).

NM_022356.4(P3H1):c.392C>A (p.Ser131Ter)

Gene: P3H1 (prolyl 3-hydroxylase 1; minus strand). Cytogenetic location: 1p34.2.
Variant type: single nucleotide variant.
Coding change: c.392C>A on transcript NM_022356.4 (MANE Select); coding-DNA position 392, C replaced by A.
Protein change: p.Ser131Ter; replaces serine 131 with a stop codon.
Molecular consequence: nonsense.
Genome position (GRCh38, 1-based): chr1:42,766,580, G>T on the plus strand (C>A on the coding strand, the complement: P3H1 is on the minus strand). VCF-style: chr1-42766580-G-T. GRCh37 (hg19) VCF-style: chr1-43232251-G-T.
Other names: c.392C>A, p.Ser131Ter (NM_001146289.2, NM_001243246.2); short protein forms S131*.
Identifiers: ClinVar variation 265432 (VCV000265432.6), dbSNP rs72659347, ClinGen allele CA10588294.